The following is an entry in ClinVar:

NM_003743.5(NCOA1):c.2608G>A (p.Glu870Lys)

Gene: NCOA1 (nuclear receptor coactivator 1; plus strand). Cytogenetic location: 2p23.3.
Variant type: single nucleotide variant.
Coding change: c.2608G>A on transcript NM_003743.5 (MANE Select); coding-DNA position 2608, G replaced by A.
Protein change: p.Glu870Lys; replaces glutamic acid 870 with lysine.
Molecular consequence: missense variant.
Genome position (GRCh38, 1-based): chr2:24,726,597, G>A. VCF-style: chr2-24726597-G-A. GRCh37 (hg19) VCF-style: chr2-24949466-G-A.
Other names: c.2608G>A, p.Glu870Lys (NM_001362950.1, NM_001362952.1, NM_001362954.1 and 3 more transcripts); short protein forms E870K.
Identifiers: ClinVar variation 4996033 (VCV004996033.1).

ClinVar aggregate classification (germline): Uncertain significance (1 of 4 stars; one submission).

Conditions:
NCOA1-related disorder. Also called: NCOA1-related condition.

Submission:

PreventionGenetics, part of Exact Sciences
Classification: Uncertain significance for NCOA1-related condition. Last evaluated: 2025-11-14. Review status: criteria provided, single submitter. Criteria: ACMG Guidelines, 2015. Collection method: clinical testing. Allele origin: germline.
Comment: The NCOA1 c.2608G>A variant is predicted to result in the amino acid substitution p.Glu870Lys. To our knowledge, this variant has not been reported in the literature or in a large population database (gnomAD), indicating this variant is rare. At this time, the clinical significance of this variant is uncertain due to the absence of conclusive functional and genetic evidence.